The following is an entry in ClinVar:

NM_001040167.2(LFNG):c.334C>A (p.Pro112Thr)

Gene: LFNG (LFNG O-fucosylpeptide 3-beta-N-acetylglucosaminyltransferase; plus strand). Cytogenetic location: 7p22.3.
Variant type: single nucleotide variant.
Coding change: c.334C>A on transcript NM_001040167.2 (MANE Select); coding-DNA position 334, C replaced by A.
Protein change: p.Pro112Thr; replaces proline 112 with threonine.
Molecular consequence: missense variant. On other transcripts: intron variant (2).
Genome position (GRCh38, 1-based): chr7:2,520,195, C>A. VCF-style: chr7-2520195-C-A. GRCh37 (hg19) VCF-style: chr7-2559829-C-A.
Other names: c.334C>A, p.Pro112Thr (NM_001040168.2); c.220-4500C>A (NM_001166355.2); c.45+1597C>A (NM_002304.3); c.334C>A (NM_001040167.1); short protein forms P112T.
Identifiers: ClinVar variation 2075490 (VCV002075490.3), dbSNP rs199511170, ClinGen allele CA4126916.
Genomic context (GRCh38, chr7:2,520,195, plus strand): 5'-CCCGGGGCTGCCCCCCGCCCCGCCGACGGCCACCCGCGCCCCCTGGCCGAGCCGCTCGCG[C>A]CCCGAGACGTCTTCATCGCTGTCAAGACCACCAAAAAGTTCCACCGCGCGCGCCTCGACC-3'
Protein context (NP_001035257.1, residues 102-122): HPRPLAEPLA[Pro112Thr]RDVFIAVKTT

ClinVar aggregate classification (germline): Uncertain significance. Review status: criteria provided, multiple submitters, no conflicts (2 of 4 stars). 2 submissions from 2 submitters: Uncertain significance (2). Last evaluated 2025-05-29.

Conditions:
Spondylocostal dysostosis 3, autosomal recessive (SCDO3). Also called: LFNG-Related Spondylocostal Dysostosis, Autosomal Recessive. Identifiers: Orphanet 2311, MedGen C1853296, MONDO:0012349, OMIM 609813.
Inborn genetic diseases. Identifiers: MedGen C0950123, MeSH D030342.

Allele frequency attached by ClinVar (database versions not stated): gnomAD 0.00004; TOPMed 0.00005; ExAC 0.00008; 1000 Genomes Project 30x 0.00016; 1000 Genomes Project 0.00020.
gnomAD v4.1: 54 of 1,594,004 alleles (0.0034%); highest among the groups gnomAD compares: Non-Finnish European, 0.0041%; no homozygotes.

Submissions (2):

Ambry Genetics
Classification: Uncertain significance for Inborn genetic diseases. Last evaluated: 2025-05-29. Review status: criteria provided, single submitter. Criteria: Ambry Variant Classification Scheme 2023. Collection method: clinical testing. Allele origin: germline.

Labcorp Genetics (formerly Invitae), Labcorp
Classification: Uncertain significance for Spondylocostal dysostosis 3, autosomal recessive. Last evaluated: 2023-02-08. Review status: criteria provided, single submitter. Criteria: Invitae Variant Classification Sherloc (09022015). Collection method: clinical testing. Allele origin: germline.
Comment: This variant is present in population databases (rs199511170, gnomAD 0.01%). In summary, the available evidence is currently insufficient to determine the role of this variant in disease. Therefore, it has been classified as a Variant of Uncertain Significance. Advanced modeling of protein sequence and biophysical properties (such as structural, functional, and spatial information, amino acid conservation, physicochemical variation, residue mobility, and thermodynamic stability) performed at Invitae indicates that this missense variant is not expected to disrupt LFNG protein function. This variant has not been reported in the literature in individuals affected with LFNG-related conditions. This sequence change replaces proline, which is neutral and non-polar, with threonine, which is neutral and polar, at codon 112 of the LFNG protein (p.Pro112Thr).